The following is an entry in ClinVar:

NM_016292.3(TRAP1):c.704+5G>C

Gene: TRAP1 (TNF receptor associated protein 1; minus strand). Cytogenetic location: 16p13.3.
Variant type: single nucleotide variant.
Coding change: c.704+5G>C on transcript NM_016292.3 (MANE Select); 5 bases into the intron after coding-DNA position 704, G replaced by C.
Molecular consequence: intron variant.
Genome position (GRCh38, 1-based): chr16:3,677,493, C>G on the plus strand (G>C on the coding strand, the complement: TRAP1 is on the minus strand). VCF-style: chr16-3677493-C-G. GRCh37 (hg19) VCF-style: chr16-3727494-C-G.
Other names: c.545+5G>C (NM_001272049.2).
Identifiers: ClinVar variation 2800352 (VCV002800352.3), dbSNP rs2548313619, ClinGen allele CA2739269955.
Genomic context (GRCh38, chr16:3,677,493, plus strand): 5'-CAAACTCCATGCTAAGGGCTCCAGCTCAGCTTTGAGCTGCCTGTCAGGCGACATTCGTCA[C>G]TCACCCATCTGAAAGCCACTGGTAACCCAGGCTCCCCGGGGCTGCCGAGCGGGAATAGAC-3'

ClinVar aggregate classification (germline): Uncertain significance (1 of 4 stars; one submission).

Submission:

Labcorp Genetics (formerly Invitae), Labcorp
Classification: Uncertain significance. Last evaluated: 2023-12-12. Review status: criteria provided, single submitter. Criteria: Invitae Variant Classification Sherloc (09022015). Collection method: clinical testing. Allele origin: germline.
Comment: This sequence change falls in intron 6 of the TRAP1 gene. It does not directly change the encoded amino acid sequence of the TRAP1 protein. It affects a nucleotide within the consensus splice site. This variant is not present in population databases (gnomAD no frequency). This variant has not been reported in the literature in individuals affected with TRAP1-related conditions. Variants that disrupt the consensus splice site are a relatively common cause of aberrant splicing (PMID: 17576681, 9536098). Algorithms developed to predict the effect of sequence changes on RNA splicing suggest that this variant may disrupt the consensus splice site. In summary, the available evidence is currently insufficient to determine the role of this variant in disease. Therefore, it has been classified as a Variant of Uncertain Significance.

Literature cited by the submitters: PubMed 17576681; PubMed 9536098.